The following is an entry in ClinVar:

ClinVar aggregate classification (germline): Uncertain significance (1 of 4 stars; one submission).

Conditions:
Spermatogenic failure 18. Identifiers: MedGen C4539783, MONDO:0054615, OMIM 617576.
Ciliary dyskinesia, primary, 37 (CILD37). Also called: CILIARY DYSKINESIA, PRIMARY, 37, WITH OR WITHOUT SITUS INVERSUS. Identifiers: MedGen C4539798, MONDO:0033204, OMIM 617577.

Allele frequency attached by ClinVar (database versions not stated): TOPMed below 0.00001; gnomAD 0.00001; gnomAD exomes 0.00001 and 0.00004; ExAC 0.00005; 1000 Genomes Project 30x 0.00016; 1000 Genomes Project 0.00020.
gnomAD v4.1: 11 of 1,613,702 alleles (0.00068%); highest among the groups gnomAD compares: East Asian, 0.02%; no homozygotes.

Submission:

Labcorp Genetics (formerly Invitae), Labcorp
Classification: Uncertain significance for Ciliary dyskinesia, primary, 37; Spermatogenic failure 18. Last evaluated: 2024-02-24. Review status: criteria provided, single submitter. Criteria: Invitae Variant Classification Sherloc (09022015). Collection method: clinical testing. Allele origin: germline.
Comment: This sequence change replaces leucine, which is neutral and non-polar, with valine, which is neutral and non-polar, at codon 2364 of the DNAH1 protein (p.Leu2364Val). This variant is present in population databases (rs185905489, gnomAD 0.04%). This variant has not been reported in the literature in individuals affected with DNAH1-related conditions. ClinVar contains an entry for this variant (Variation ID: 478484). Advanced modeling of protein sequence and biophysical properties (such as structural, functional, and spatial information, amino acid conservation, physicochemical variation, residue mobility, and thermodynamic stability) performed at Invitae indicates that this missense variant is not expected to disrupt DNAH1 protein function with a negative predictive value of 80%. In summary, the available evidence is currently insufficient to determine the role of this variant in disease. Therefore, it has been classified as a Variant of Uncertain Significance.

NM_015512.5(DNAH1):c.7090C>G (p.Leu2364Val)

Gene: DNAH1 (dynein axonemal heavy chain 1; plus strand). Cytogenetic location: 3p21.1.
Variant type: single nucleotide variant.
Coding change: c.7090C>G on transcript NM_015512.5 (MANE Select); coding-DNA position 7090, C replaced by G.
Protein change: p.Leu2364Val; replaces leucine 2364 with valine.
Molecular consequence: missense variant.
Genome position (GRCh38, 1-based): chr3:52,375,344, C>G. VCF-style: chr3-52375344-C-G. GRCh37 (hg19) VCF-style: chr3-52409360-C-G.
Other names: short protein forms L2364V.
Identifiers: ClinVar variation 478484 (VCV000478484.5), dbSNP rs185905489, ClinGen allele CA2434751.